The following is an entry in ClinVar:

ClinVar aggregate classification (germline): Likely benign (1 of 4 stars; one submission).

Allele frequency attached by ClinVar (database versions not stated): gnomAD exomes below 0.00001.
gnomAD v4.1: 1 of 487,598 alleles (0.00021%); highest among the groups gnomAD compares: Non-Finnish European, 0.00037%; no homozygotes.

Submission:

GeneDx
Classification: Likely benign. Last evaluated: 2016-05-04. Review status: criteria provided, single submitter. Criteria: GeneDx Variant Classification (06012015). Collection method: clinical testing. Allele origin: germline. Affected: yes.
Comment: This variant is considered likely benign or benign based on one or more of the following criteria: it is a conservative change, it occurs at a poorly conserved position in the protein, it is predicted to be benign by multiple in silico algorithms, and/or has population frequency not consistent with disease.

NM_007194.4(CHEK2):c.-27G>A

Gene: CHEK2 (checkpoint kinase 2; minus strand). Cytogenetic location: 22q12.1.
Variant type: single nucleotide variant.
Coding change: c.-27G>A on transcript NM_007194.4 (MANE Select); 27 bases upstream of the start codon, G replaced by A.
Molecular consequence: 5 prime UTR variant.
Genome position (GRCh38, 1-based): chr22:28,741,789, C>T on the plus strand (G>A on the coding strand, the complement: CHEK2 is on the minus strand). VCF-style: chr22-28741789-C-T. GRCh37 (hg19) VCF-style: chr22-29137777-C-T.
Other names: c.-27G>A (NM_001005735.3, NM_001349956.3, NM_145862.3); c.-804G>A (NM_001257387.3).
Identifiers: ClinVar variation 385881 (VCV000385881.1), dbSNP rs1057522353, ClinGen allele CA16608647.
Genomic context (GRCh38, chr22:28,741,789, plus strand): 5'-AACCACCAAACACCCAACAGAAGTTCCCCATATGACTCACCGCGTGAGCCCACCTGGAGC[C>T]GCACACTCTCCGCAGCCTCAGCCAGCAGAGTGGCGCTAAACCTGCAGATACAAACTCCAC-3'